The following is an entry in ClinVar:

NM_025114.4(CEP290):c.3150dup (p.Asp1051Ter)

Gene: CEP290 (centrosomal protein 290; minus strand). Cytogenetic location: 12q21.32.
Variant type: Duplication.
Coding change: c.3150dup on transcript NM_025114.4 (MANE Select); coding-DNA position 3150, one base duplicated (T; older notation c.3150dupT).
Protein change: p.Asp1051Ter; replaces aspartic acid 1051 with a stop codon.
Molecular consequence: nonsense.
Genome position (GRCh38, 1-based): chr12:88,093,929, A duplicated on the plus strand (T on the coding strand, the reverse complement: CEP290 is on the minus strand). VCF-style (leftmost placement, unchanged base first): chr12-88093928-C-CA. GRCh37 (hg19) VCF-style: chr12-88487705-C-CA.
Other names: short protein forms D1051*.
Identifiers: ClinVar variation 1357609 (VCV001357609.6), dbSNP rs2137368561, ClinGen allele CA2573149062.

ClinVar aggregate classification (germline): Pathogenic (1 of 4 stars; one submission).

Conditions:
Joubert syndrome. Also called: CEREBELLOPARENCHYMAL DISORDER IV; JOUBERT-BOLTSHAUSER SYNDROME; Familial aplasia of the vermis. Identifiers: Orphanet 475, MedGen C5979921, MONDO:0018772.
Nephronophthisis. Also called: Juvenile Nephronophthisis. Identifiers: Orphanet 655, MedGen C0687120, MONDO:0019005, HP:0000090.
Meckel-Gruber syndrome. Also called: DYSENCEPHALIA SPLANCHNOCYSTICA; GRUBER SYNDROME; Dysencephalia splachnocystica. Identifiers: Orphanet 564, MedGen C0265215, MONDO:0018921.

Submission:

Labcorp Genetics (formerly Invitae), Labcorp
Classification: Pathogenic for Joubert syndrome; Meckel-Gruber syndrome; Nephronophthisis. Last evaluated: 2020-12-26. Review status: criteria provided, single submitter. Criteria: Invitae Variant Classification Sherloc (09022015). Collection method: clinical testing. Allele origin: germline.
Comment: For these reasons, this variant has been classified as Pathogenic. This variant has not been reported in the literature in individuals with CEP290-related conditions. This variant is not present in population databases (ExAC no frequency). This sequence change creates a premature translational stop signal (p.Asp1051*) in the CEP290 gene. It is expected to result in an absent or disrupted protein product. Loss-of-function variants in CEP290 are known to be pathogenic (PMID: 16909394, 17345604, 20690115).

Literature cited by the submitters: PubMed 16909394; PubMed 17345604; PubMed 20690115.